The following is an entry in ClinVar:

ClinVar aggregate classification (germline): Uncertain significance (1 of 4 stars; one submission).

Submission:

Labcorp Genetics (formerly Invitae), Labcorp
Classification: Uncertain significance. Last evaluated: 2025-07-10. Review status: criteria provided, single submitter. Criteria: Invitae Variant Classification Sherloc (09022015). Collection method: clinical testing. Allele origin: germline.
Comment: This sequence change replaces leucine, which is neutral and non-polar, with valine, which is neutral and non-polar, at codon 1163 of the NSD1 protein (p.Leu1163Val). This variant is not present in population databases (gnomAD no frequency). This variant has not been reported in the literature in individuals affected with NSD1-related conditions. Invitae Evidence Modeling of protein sequence and biophysical properties (such as structural, functional, and spatial information, amino acid conservation, physicochemical variation, residue mobility, and thermodynamic stability) indicates that this missense variant is not expected to disrupt NSD1 protein function with a negative predictive value of 95%. In summary, the available evidence is currently insufficient to determine the role of this variant in disease. Therefore, it has been classified as a Variant of Uncertain Significance.

NM_022455.5(NSD1):c.3487T>G (p.Leu1163Val)

Gene: NSD1 (nuclear receptor binding SET domain protein 1; plus strand). Cytogenetic location: 5q35.3.
Variant type: single nucleotide variant.
Coding change: c.3487T>G on transcript NM_022455.5 (MANE Select); coding-DNA position 3487, T replaced by G.
Protein change: p.Leu1163Val; replaces leucine 1163 with valine.
Molecular consequence: missense variant.
Genome position (GRCh38, 1-based): chr5:177,211,886, T>G. VCF-style: chr5-177211886-T-G. GRCh37 (hg19) VCF-style: chr5-176638887-T-G.
Other names: c.2614T>G, p.Leu872Val (NM_001365684.2, NM_001409306.1, NM_001409307.1 and 3 more transcripts); c.3487T>G, p.Leu1163Val (NM_001409301.1, NM_001409302.1, NM_001409303.1); c.3067T>G, p.Leu1023Val (NM_001409304.1); c.2734T>G, p.Leu912Val (NM_001409305.1); short protein forms L912V, L1023V, L1163V, L872V.
Identifiers: ClinVar variation 4746246 (VCV004746246.1).